The following is an entry in ClinVar:

ClinVar aggregate classification (germline): Uncertain significance (1 of 4 stars; one submission).

Submission:

Labcorp Genetics (formerly Invitae), Labcorp
Classification: Uncertain significance. Last evaluated: 2025-10-07. Review status: criteria provided, single submitter. Criteria: Invitae Variant Classification Sherloc (09022015). Collection method: clinical testing. Allele origin: germline.
Comment: This variant, c.1146_1148del, results in the deletion of 1 amino acid(s) of the DEF6 protein (p.Glu383del), but otherwise preserves the integrity of the reading frame. The frequency data for this variant in the population databases is considered unreliable, as metrics indicate poor data quality at this position in the gnomAD database. This variant has not been reported in the literature in individuals affected with DEF6-related conditions. Experimental studies and prediction algorithms are not available or were not evaluated, and the functional significance of this variant is currently unknown. In summary, the available evidence is currently insufficient to determine the role of this variant in disease. Therefore, it has been classified as a Variant of Uncertain Significance.

NM_022047.4(DEF6):c.1137GGA[3] (p.Glu383del)

Gene: DEF6 (DEF6 guanine nucleotide exchange factor; plus strand). Cytogenetic location: 6p21.31.
Variant type: Microsatellite.
Coding change: c.1137GGA[3] on transcript NM_022047.4 (MANE Select); three copies in a row of the 3-base unit GGA starting at c.1137; the reference has four copies in a row; one copy, 3 bases deleted.
Protein change: p.Glu383del; deletes glutamic acid 383.
Molecular consequence: inframe deletion.
Genome position (GRCh38, 1-based): chr6:35,318,402-35,318,404, GGA deleted; deleting any 3 consecutive bases within chr6:35,318,392-35,318,404 gives the same sequence; the position shown is the placement nearest the transcript's 3' end. VCF-style (leftmost placement, unchanged base first): chr6-35318391-CAGG-C. GRCh37 (hg19) VCF-style: chr6-35286168-CAGG-C.
Other names: short protein forms E383del.
Identifiers: ClinVar variation 1442769 (VCV001442769.4), dbSNP rs1404632227, ClinGen allele CA566702645.